The following is an entry in ClinVar:

NM_005585.5(SMAD6):c.1055A>C (p.Gln352Pro)

Gene: SMAD6 (SMAD family member 6; plus strand). Cytogenetic location: 15q22.31.
Variant type: single nucleotide variant.
Coding change: c.1055A>C on transcript NM_005585.5 (MANE Select); coding-DNA position 1055, A replaced by C.
Protein change: p.Gln352Pro; replaces glutamine 352 with proline.
Molecular consequence: missense variant. On other transcripts: non-coding transcript variant (1).
Genome position (GRCh38, 1-based): chr15:66,781,099, A>C. VCF-style: chr15-66781099-A-C. GRCh37 (hg19) VCF-style: chr15-67073437-A-C.
Other names: short protein forms Q352P.
Identifiers: ClinVar variation 1778302 (VCV001778302.2), dbSNP rs1435913974, ClinGen allele CA393201764.
Genomic context (GRCh38, chr15:66,781,099, plus strand): 5'-GCAGCGTGGCGTACTGGGAGCACCGGACGCGCGTGGGCCGCCTCTATGCGGTGTACGACC[A>C]GGCCGTCAGCATCTTCTACGACCTACCTCAGGGCAGCGGCTTCTGCCTGGGCCAGCTCAA-3'
Protein context (NP_005576.3, residues 342-362): RVGRLYAVYD[Gln352Pro]AVSIFYDLPQ

ClinVar aggregate classification (germline): Uncertain significance (1 of 4 stars; one submission).

Conditions:
Inborn genetic diseases. Identifiers: MedGen C0950123, MeSH D030342.

Allele frequency attached by ClinVar (database versions not stated): gnomAD 0.00001; TOPMed 0.00001.
gnomAD v4.1: 4 of 1,608,566 alleles (0.00025%); highest among the groups gnomAD compares: Non-Finnish European, 0.00034%; no homozygotes.

Submission:

Ambry Genetics
Classification: Uncertain significance for Inborn genetic diseases. Last evaluated: 2022-07-19. Review status: criteria provided, single submitter. Criteria: Ambry Variant Classification Scheme 2023. Collection method: clinical testing. Allele origin: germline.
Comment: The p.Q352P variant (also known as c.1055A>C), located in coding exon 4 of the SMAD6 gene, results from an A to C substitution at nucleotide position 1055. The glutamine at codon 352 is replaced by proline, an amino acid with similar properties. This amino acid position is conserved. In addition, the in silico prediction for this alteration is inconclusive. Since supporting evidence is limited at this time, the clinical significance of this alteration remains unclear.